The following is an entry in ClinVar:

ClinVar aggregate classification (germline): Uncertain significance (1 of 4 stars; one submission).

Conditions:
Gastrointestinal stromal tumor. Also called: Gastrointestinal stromal tumor, somatic; Gastrointestinal stroma tumor. Identifiers: Orphanet 44890, MedGen C0238198, MeSH D046152, MONDO:0011719, OMIM 606764, HP:0100723.

Allele frequency attached by ClinVar (database versions not stated): gnomAD exomes below 0.00001.
gnomAD v4.1: 1 of 1,613,546 alleles (0.000062%); highest among the groups gnomAD compares: East Asian, 0.0022%; no homozygotes.

Submission:

Labcorp Genetics (formerly Invitae), Labcorp
Classification: Uncertain significance for Gastrointestinal stromal tumor. Last evaluated: 2019-10-02. Review status: criteria provided, single submitter. Criteria: Invitae Variant Classification Sherloc (09022015). Collection method: clinical testing. Allele origin: germline.
Comment: Algorithms developed to predict the effect of missense changes on protein structure and function (SIFT, PolyPhen-2, Align-GVGD) all suggest that this variant is likely to be tolerated, but these predictions have not been confirmed by published functional studies and their clinical significance is uncertain. In summary, the available evidence is currently insufficient to determine the role of this variant in disease. Therefore, it has been classified as a Variant of Uncertain Significance. This variant has not been reported in the literature in individuals with PDGFRA-related conditions. This variant is not present in population databases (ExAC no frequency). This sequence change replaces glutamine with glutamic acid at codon 371 of the PDGFRA protein (p.Gln371Glu). The glutamine residue is moderately conserved and there is a small physicochemical difference between glutamine and glutamic acid.

NM_006206.6(PDGFRA):c.1111C>G (p.Gln371Glu)

Gene: PDGFRA (platelet derived growth factor receptor alpha; plus strand). Cytogenetic location: 4q12.
Variant type: single nucleotide variant.
Coding change: c.1111C>G on transcript NM_006206.6 (MANE Select); coding-DNA position 1111, C replaced by G.
Protein change: p.Gln371Glu; replaces glutamine 371 with glutamic acid.
Molecular consequence: missense variant.
Genome position (GRCh38, 1-based): chr4:54,267,731, C>G. VCF-style: chr4-54267731-C-G. GRCh37 (hg19) VCF-style: chr4-55133898-C-G.
Other names: c.1111C>G, p.Gln371Glu (NM_001347827.2, NM_001347829.2); c.1186C>G, p.Gln396Glu (NM_001347828.2); c.1150C>G, p.Gln384Glu (NM_001347830.2); short protein forms Q384E, Q396E, Q371E.
Identifiers: ClinVar variation 970448 (VCV000970448.10), dbSNP rs1419727467, ClinGen allele CA356891822.